The following is an entry in ClinVar:

ClinVar aggregate classification (germline): Conflicting classifications of pathogenicity. Review status: criteria provided, conflicting classifications (1 of 4 stars). 4 submissions from 4 submitters: Uncertain significance (1); Likely benign (2). 1 of the submissions does not count toward it. Last evaluated 2025-01-13.

Conditions:
Fanconi anemia complementation group P. Also called: SLX4-Related Fanconi Anemia. Identifiers: Orphanet 84, MedGen C3469542, MONDO:0013499, OMIM 613951.
SLX4-related disorder. Also called: SLX4-related condition.
Fanconi anemia (FA). Also called: Fanconi's anemia. Identifiers: Orphanet 84, MedGen C0015625, MeSH D005199, MONDO:0019391.

Allele frequency attached by ClinVar (database versions not stated): ExAC 0.00002; gnomAD exomes 0.00002; TOPMed 0.00004.
gnomAD v4.1: 19 of 1,613,802 alleles (0.0012%); highest among the groups gnomAD compares: African/African-American, 0.0067%; no homozygotes.

Submissions (4):

Labcorp Genetics (formerly Invitae), Labcorp
Classification: Likely benign for Fanconi anemia. Last evaluated: 2025-01-13. Review status: criteria provided, single submitter. Criteria: Invitae Variant Classification Sherloc (09022015). Collection method: clinical testing. Allele origin: germline.

Blueprint Genetics
Classification: Likely benign. Last evaluated: 2020-08-03. Review status: criteria provided, single submitter. Criteria: ACMG Guidelines, 2015. Collection method: clinical testing. Allele origin: germline.

Illumina Laboratory Services, Illumina
Classification: Uncertain significance for Fanconi anemia complementation group P. Last evaluated: 2018-01-13. Review status: criteria provided, single submitter. Criteria: ICSL Variant Classification Criteria 13 December 2019. Collection method: clinical testing. Allele origin: germline.

PreventionGenetics, part of Exact Sciences
Classification: Likely benign for SLX4-related condition. Last evaluated: 2019-10-28. Review status: no assertion criteria provided. Collection method: clinical testing. Allele origin: germline. Not counted in ClinVar's aggregate classification.
Comment: This variant is classified as likely benign based on ACMG/AMP sequence variant interpretation guidelines (Richards et al. 2015 PMID: 25741868, with internal and published modifications).

NM_032444.4(SLX4):c.4830C>T (p.Ser1610=)

Gene: SLX4 (SLX4 structure-specific endonuclease subunit; minus strand). Cytogenetic location: 16p13.3.
Variant type: single nucleotide variant.
Coding change: c.4830C>T on transcript NM_032444.4 (MANE Select); coding-DNA position 4830, C replaced by T.
Protein change: p.Ser1610=; no amino-acid change (serine 1610 retained).
Molecular consequence: synonymous variant.
Genome position (GRCh38, 1-based): chr16:3,583,420, G>A on the plus strand (C>T on the coding strand, the complement: SLX4 is on the minus strand). VCF-style: chr16-3583420-G-A. GRCh37 (hg19) VCF-style: chr16-3633421-G-A.
Other names: c.4830C>T (NM_032444.3).
Identifiers: ClinVar variation 699428 (VCV000699428.15), dbSNP rs370775954, ClinGen allele CA7865500.